The following is an entry in ClinVar:

NM_012309.5(SHANK2):c.782A>T (p.Asp261Val)

Gene: SHANK2 (SH3 and multiple ankyrin repeat domains 2; minus strand). Cytogenetic location: 11q13.4.
Variant type: single nucleotide variant.
Coding change: c.782A>T on transcript NM_012309.5 (MANE Select); coding-DNA position 782, A replaced by T.
Protein change: p.Asp261Val; replaces aspartic acid 261 with valine.
Molecular consequence: missense variant.
Genome position (GRCh38, 1-based): chr11:71,092,552, T>A on the plus strand (A>T on the coding strand, the complement: SHANK2 is on the minus strand). VCF-style: chr11-71092552-T-A. GRCh37 (hg19) VCF-style: chr11-70803598-T-A.
Other names: short protein forms D261V.
Identifiers: ClinVar variation 3390578 (VCV003390578.1).
Genomic context (GRCh38, chr11:71,092,552, plus strand): 5'-CAGCAGTAGGGATCACCTCCGACGATGGCTGTGTGATACAGCGGGGTGAGGCCGTAACTG[T>A]CTTTATAATCTGGGGATGCACCAAGCTCTAAAAGGGTCTAGGAAAAAAAAATTGAAAGCC-3'
Protein context (NP_036441.2, residues 251-271): LELGASPDYK[Asp261Val]SYGLTPLYHT

ClinVar aggregate classification (germline): Uncertain significance (1 of 4 stars; one submission).

Submission:

GeneDx
Classification: Uncertain significance. Last evaluated: 2024-06-12. Review status: criteria provided, single submitter. Criteria: GeneDx Variant Classification Process June 2021. Collection method: clinical testing. Allele origin: germline. Affected: yes.
Comment: Not observed at significant frequency in large population cohorts (gnomAD); In silico analysis supports that this missense variant has a deleterious effect on protein structure/function; Has not been previously published as pathogenic or benign to our knowledge